The following is an entry in ClinVar:

NM_005051.3(QARS1):c.1272_1279del (p.His426fs)

Gene: QARS1 (glutaminyl-tRNA synthetase 1; minus strand). Cytogenetic location: 3p21.31.
Variant type: Deletion.
Coding change: c.1272_1279del on transcript NM_005051.3 (MANE Select); coding-DNA positions 1272 to 1279, 8 bases deleted (ACACCACC; older notation c.1272_1279delACACCACC).
Protein change: p.His426fs; shifts the reading frame from histidine 426.
Molecular consequence: frameshift variant. On other transcripts: non-coding transcript variant (1).
Genome position (GRCh38, 1-based): chr3:49,099,977-49,099,984, GGTGGTGT deleted on the plus strand (ACACCACC on the coding strand, the reverse complement: QARS1 is on the minus strand); deleting any 8 consecutive bases within chr3:49,099,977-49,099,988 gives the same sequence; the c. name uses the placement nearest the transcript's 3' end. VCF-style (leftmost placement, unchanged base first): chr3-49099976-CGGTGGTGT-C. GRCh37 (hg19) VCF-style: chr3-49137409-CGGTGGTGT-C.
Other names: c.1239_1246del, p.His415fs (NM_001272073.2); c.1272_1279delACACCACC (NM_005051.3); short protein forms H426fs, H415fs.
Identifiers: ClinVar variation 1449644 (VCV001449644.7), dbSNP rs1238347256, ClinGen allele CA543047864.
Genomic context (GRCh38, chr3:49,099,976, plus strand): 5'-CGCCCTGCTCGGCAGCCCCACCACCCCACCCCATTCTACACCCACCATTTGTCCCCTGTG[CGGTGGTGT>C]GGTGTATACTTGACTCGATAGGCTACAGGGTCCATCTTGCCATCCTCCATCACCAGCTTC-3'

ClinVar aggregate classification (germline): Pathogenic. Review status: criteria provided, multiple submitters, no conflicts (2 of 4 stars). 2 submissions from 2 submitters: Pathogenic (2). Last evaluated 2025-09-10.

Conditions:
Diffuse cerebral and cerebellar atrophy - intractable seizures - progressive microcephaly syndrome. Also called: Microcephaly, progressive, with seizures and cerebral and cerebellar atrophy. Identifiers: Orphanet 404437, MedGen C4014239, MONDO:0014335, OMIM 615760.

Submissions (2):

Labcorp Genetics (formerly Invitae), Labcorp
Classification: Pathogenic for Diffuse cerebral and cerebellar atrophy - intractable seizures - progressive microcephaly syndrome. Last evaluated: 2025-09-10. Review status: criteria provided, single submitter. Criteria: Invitae Variant Classification Sherloc (09022015). Collection method: clinical testing. Allele origin: germline.
Comment: This sequence change creates a premature translational stop signal (p.His426Argfs*18) in the QARS gene. It is expected to result in an absent or disrupted protein product. Loss-of-function variants in QARS are known to be pathogenic (PMID: 24656866, 25471517). This variant is present in population databases (no rsID available, gnomAD 0.002%). This variant has not been reported in the literature in individuals affected with QARS-related conditions. ClinVar contains an entry for this variant (Variation ID: 1449644). For these reasons, this variant has been classified as Pathogenic.

Women's Health and Genetics/Laboratory Corporation of America, LabCorp
Classification: Pathogenic for Diffuse cerebral and cerebellar atrophy - intractable seizures - progressive microcephaly syndrome. Last evaluated: 2025-05-29. Review status: criteria provided, single submitter. Criteria: LabCorp Variant Classification Summary - May 2015. Collection method: clinical testing. Allele origin: germline.
Comment: Variant summary: QARS1 c.1272_1279delACACCACC (p.His426ArgfsX18) results in a premature termination codon, predicted to cause absence of the protein due to nonsense mediated decay, which is a commonly known mechanism for disease. The variant allele was found at a frequency of 8e-06 in 251406 control chromosomes (gnomAD). To our knowledge, no occurrence of c.1272_1279delACACCACC in individuals affected with Diffuse Cerebral And Cerebellar Atrophy-Intractable Seizures-Progressive Microcephaly Syndrome and no experimental evidence demonstrating its impact on protein function have been reported. ClinVar contains an entry for this variant (Variation ID: 1449644). Based on the evidence outlined above, the variant was classified as pathogenic.

Literature cited by the submitters: PubMed 24656866 (cited by Labcorp Genetics (formerly Invitae), Labcorp); PubMed 25471517 (cited by Labcorp Genetics (formerly Invitae), Labcorp).